The following is an entry in ClinVar:

NM_000501.4(ELN):c.377-2A>G

Gene: ELN (elastin; plus strand). Cytogenetic location: 7q11.23.
Variant type: single nucleotide variant.
Coding change: c.377-2A>G on transcript NM_000501.4 (MANE Select); the canonical splice acceptor site of the intron before coding-DNA position 377, A replaced by G.
Molecular consequence: splice acceptor variant. On other transcripts: synonymous variant (3).
Genome position (GRCh38, 1-based): chr7:74,043,116, A>G. VCF-style: chr7-74043116-A-G. GRCh37 (hg19) VCF-style: chr7-73457446-A-G.
Other names: c.390A>G, p.Pro130= (NM_001081753.3, NM_001081754.3); c.360A>G, p.Pro120= (NM_001278914.2); c.377-2A>G (NM_001278939.2, NM_001278915.2, NM_001278912.2 and 2 more transcripts); c.341-2A>G (NM_001278913.2); c.347-2A>G (NM_001278917.2, NM_001081752.3, NM_001278918.2).
Identifiers: ClinVar variation 2098445 (VCV002098445.5), dbSNP rs1554669770, ClinGen allele CA367869474.
Genomic context (GRCh38, chr7:74,043,116, plus strand): 5'-TCCCTGGGTCAAAGTTGCAGGCCTGGGTGGAGCCAACTCTGATGCAGCCCCTTCTGTGCC[A>G]GGTGCGGTGGTTCCTCAGCCTGGAGCCGGAGTGAAGCCTGGGAAAGTGCCGGGTCAGTGC-3'

ClinVar aggregate classification (germline): Pathogenic/Likely pathogenic. Review status: criteria provided, multiple submitters, no conflicts (2 of 4 stars). 2 submissions from 2 submitters: Pathogenic (1); Likely pathogenic (1). Last evaluated 2025-03-24.

Conditions:
Supravalvar aortic stenosis (SVAS). Also called: Supravalvar aortic stenosis, Eisenberg type. Identifiers: Orphanet 3193, MedGen C0003499, MONDO:0008504, OMIM 185500, HP:0004381.

Submissions (2):

Labcorp Genetics (formerly Invitae), Labcorp
Classification: Pathogenic for Supravalvar aortic stenosis. Last evaluated: 2025-03-24. Review status: criteria provided, single submitter. Criteria: Invitae Variant Classification Sherloc (09022015). Collection method: clinical testing. Allele origin: germline.
Comment: This sequence change affects an acceptor splice site in intron 7 of the ELN gene. It is expected to disrupt RNA splicing. Variants that disrupt the donor or acceptor splice site typically lead to a loss of protein function (PMID: 16199547), and loss-of-function variants in ELN are known to be pathogenic (PMID: 11175284). This variant is not present in population databases (gnomAD no frequency). Disruption of this splice site has been observed in individuals with supravalvular aortic stenosis (PMID: 11175284; internal data). ClinVar contains an entry for this variant (Variation ID: 2098445). Algorithms developed to predict the effect of sequence changes on RNA splicing suggest that this variant may disrupt the consensus splice site. For these reasons, this variant has been classified as Pathogenic.

GeneDx
Classification: Likely pathogenic. Last evaluated: 2023-09-14. Review status: criteria provided, single submitter. Criteria: GeneDx Variant Classification Process June 2021. Collection method: clinical testing. Allele origin: germline. Affected: yes.
Comment: Has not been previously published as pathogenic or benign to our knowledge; Not observed at significant frequency in large population cohorts (gnomAD); Canonical splice site variant predicted to result in an in-frame loss of the adjacent exon in a gene for which loss of function is a known mechanism of disease

Literature cited by the submitters: PubMed 16199547 (cited by Labcorp Genetics (formerly Invitae), Labcorp); PubMed 11175284 (cited by Labcorp Genetics (formerly Invitae), Labcorp).